The following is an entry in ClinVar:

ClinVar aggregate classification (germline): Uncertain significance (1 of 4 stars; one submission).

Submission:

Labcorp Genetics (formerly Invitae), Labcorp
Classification: Uncertain significance. Last evaluated: 2025-08-16. Review status: criteria provided, single submitter. Criteria: Invitae Variant Classification Sherloc (09022015). Collection method: clinical testing. Allele origin: germline.
Comment: This sequence change replaces arginine, which is basic and polar, with glycine, which is neutral and non-polar, at codon 195 of the OAS1 protein (p.Arg195Gly). This variant is not present in population databases (gnomAD no frequency). This variant has not been reported in the literature in individuals affected with OAS1-related conditions. An algorithm developed to predict the effect of missense changes on protein structure and function (PolyPhen-2) suggests that this variant is likely to be tolerated. In summary, the available evidence is currently insufficient to determine the role of this variant in disease. Therefore, it has been classified as a Variant of Uncertain Significance.

NM_016816.4(OAS1):c.583A>G (p.Arg195Gly)

Gene: OAS1 (2'-5'-oligoadenylate synthetase 1; plus strand). Cytogenetic location: 12q24.13.
Variant type: single nucleotide variant.
Coding change: c.583A>G on transcript NM_016816.4 (MANE Select); coding-DNA position 583, A replaced by G.
Protein change: p.Arg195Gly; replaces arginine 195 with glycine.
Molecular consequence: missense variant. On other transcripts: non-coding transcript variant (9), intron variant (4).
Genome position (GRCh38, 1-based): chr12:112,911,164, A>G. VCF-style: chr12-112911164-A-G. GRCh37 (hg19) VCF-style: chr12-113348969-A-G.
Other names: c.583A>G, p.Arg195Gly (NM_001032409.3, NM_001320151.2, NM_001406022.1 and 1 more transcripts); c.536A>G, p.Glu179Gly (NM_001406020.1, NM_001406021.1, NM_001406023.1 and 2 more transcripts); c.180+3945A>G (NM_001406030.1, NM_001406029.1, NM_001406027.1 and 1 more transcripts); short protein forms E179G, R195G.
Identifiers: ClinVar variation 4766977 (VCV004766977.1).